The following is an entry in ClinVar:

ClinVar aggregate classification (germline): Uncertain significance (1 of 4 stars; one submission).

Conditions:
Hereditary cancer-predisposing syndrome. Also called: Neoplastic Syndromes, Hereditary; Tumor predisposition; Hereditary Cancer Syndrome; Hereditary neoplastic syndrome. Identifiers: Orphanet 140162, MedGen C0027672, MeSH D009386, MONDO:0015356.

Submission:

Ambry Genetics
Classification: Uncertain significance for Hereditary cancer-predisposing syndrome. Last evaluated: 2026-01-13. Review status: criteria provided, single submitter. Criteria: Ambry Variant Classification Scheme 2023. Collection method: clinical testing. Allele origin: germline.
Comment: The p.R239K variant (also known as c.716G>A), located in coding exon 4 of the MSH6 gene, results from a G to A substitution at nucleotide position 716. The arginine at codon 239 is replaced by lysine, an amino acid with highly similar properties. This amino acid position is conserved. In addition, this alteration is predicted to be tolerated by in silico analysis. Based on the available evidence, the clinical significance of this variant remains unclear.

NM_000179.3(MSH6):c.716G>A (p.Arg239Lys)

Gene: MSH6 (mutS homolog 6; plus strand). Cytogenetic location: 2p16.3.
Variant type: single nucleotide variant.
Coding change: c.716G>A on transcript NM_000179.3 (MANE Select); coding-DNA position 716, G replaced by A.
Protein change: p.Arg239Lys; replaces arginine 239 with lysine.
Molecular consequence: missense variant. On other transcripts: 5 prime UTR variant (9), non-coding transcript variant (4), intron variant (1).
Genome position (GRCh38, 1-based): chr2:47,798,699, G>A. VCF-style: chr2-47798699-G-A. GRCh37 (hg19) VCF-style: chr2-48025838-G-A.
Other names: c.326G>A, p.Arg109Lys (NM_001281492.2); c.-191G>A (NM_001281493.2, NM_001281494.2, NM_001406823.1 and 6 more transcripts); c.812G>A, p.Arg271Lys (NM_001406795.1, NM_001406802.1); c.716G>A, p.Arg239Lys (NM_001406796.1, NM_001406798.1, NM_001406800.1 and 4 more transcripts); c.419G>A, p.Arg140Lys (NM_001406797.1, NM_001406801.1, NM_001406824.1 and 10 more transcripts); c.191G>A, p.Arg64Lys (NM_001406799.1, NM_001406806.1, NM_001406807.1); c.548G>A, p.Arg183Lys (NM_001406826.1); c.628-1967G>A (NM_001407362.1); and 2 more; short protein forms R109K, R183K, R213K, R241K, R271K, R64K, R140K, R239K.
Identifiers: ClinVar variation 4843700 (VCV004843700.1).